The following is an entry in ClinVar:

ClinVar aggregate classification (germline): Uncertain significance (1 of 4 stars; one submission).

Conditions:
Autosomal dominant nonsyndromic hearing loss 1. Also called: KONIGSMARK SYNDROME; DEAFNESS, AUTOSOMAL DOMINANT 1, WITH OR WITHOUT THROMBOCYTOPENIA. Identifiers: Orphanet 90635, MedGen C1852282, MONDO:0007424, OMIM 124900.
Progressive microcephaly-seizures-cortical blindness-developmental delay syndrome. Also called: Seizures, cortical blindness, and microcephaly syndrome. Identifiers: Orphanet 477814, MedGen C5567650, MONDO:0014714, OMIM 616632.

Allele frequency attached by ClinVar (database versions not stated): gnomAD exomes below 0.00001 and 0.00001; ExAC 0.00001; TOPMed 0.00001; ESP Exome Variant Server 0.00008.
gnomAD v4.1: 12 of 1,614,034 alleles (0.00074%); highest among the groups gnomAD compares: Non-Finnish European, 0.001%; no homozygotes.

Submission:

Labcorp Genetics (formerly Invitae), Labcorp
Classification: Uncertain significance for Progressive microcephaly-seizures-cortical blindness-developmental delay syndrome; Autosomal dominant nonsyndromic hearing loss 1. Last evaluated: 2024-10-22. Review status: criteria provided, single submitter. Criteria: Invitae Variant Classification Sherloc (09022015). Collection method: clinical testing. Allele origin: germline.
Comment: This sequence change replaces glutamine, which is neutral and polar, with glutamic acid, which is acidic and polar, at codon 1180 of the DIAPH1 protein (p.Gln1180Glu). This variant is present in population databases (rs374304870, gnomAD 0.0009%). This variant has not been reported in the literature in individuals affected with DIAPH1-related conditions. ClinVar contains an entry for this variant (Variation ID: 1352100). An algorithm developed to predict the effect of missense changes on protein structure and function (PolyPhen-2) suggests that this variant is likely to be tolerated. In summary, the available evidence is currently insufficient to determine the role of this variant in disease. Therefore, it has been classified as a Variant of Uncertain Significance.

NM_005219.5(DIAPH1):c.3538C>G (p.Gln1180Glu)

Gene: DIAPH1 (diaphanous related formin 1; minus strand). Cytogenetic location: 5q31.3.
Variant type: single nucleotide variant.
Coding change: c.3538C>G on transcript NM_005219.5 (MANE Select); coding-DNA position 3538, C replaced by G.
Protein change: p.Gln1180Glu; replaces glutamine 1180 with glutamic acid.
Molecular consequence: missense variant.
Genome position (GRCh38, 1-based): chr5:141,526,074, G>C on the plus strand (C>G on the coding strand, the complement: DIAPH1 is on the minus strand). VCF-style: chr5-141526074-G-C. GRCh37 (hg19) VCF-style: chr5-140905641-G-C.
Other names: c.3511C>G, p.Gln1171Glu (NM_001079812.3); c.3538C>G, p.Gln1180Glu (NM_001314007.2); short protein forms Q1180E, Q1171E.
Identifiers: ClinVar variation 1352100 (VCV001352100.8), dbSNP rs374304870, ClinGen allele CA3478763.